The following is an entry in ClinVar:

NM_022114.4(PRDM16):c.1363G>A (p.Gly455Ser)

Gene: PRDM16 (PR/SET domain 16; plus strand). Cytogenetic location: 1p36.32.
Variant type: single nucleotide variant.
Coding change: c.1363G>A on transcript NM_022114.4 (MANE Select); coding-DNA position 1363, G replaced by A.
Protein change: p.Gly455Ser; replaces glycine 455 with serine.
Molecular consequence: missense variant.
Genome position (GRCh38, 1-based): chr1:3,411,560, G>A. VCF-style: chr1-3411560-G-A. GRCh37 (hg19) VCF-style: chr1-3328124-G-A.
Other names: c.1363G>A, p.Gly455Ser (NM_199454.3); short protein forms G455S.
Identifiers: ClinVar variation 227860 (VCV000227860.16), dbSNP rs536908705, ClinGen allele CA544170.

ClinVar aggregate classification (germline): Likely benign. Review status: criteria provided, multiple submitters, no conflicts (2 of 4 stars). 4 submissions from 4 submitters: Likely benign (3). 1 of the submissions does not count toward it. Last evaluated 2026-02-02.

Conditions:
PRDM16-related disorder. Also called: PRDM16-related condition.
Left ventricular noncompaction 8 (LVNC8). Identifiers: Orphanet 154, Orphanet 54260, MedGen C3809288, MONDO:0014152, OMIM 615373.

Allele frequency attached by ClinVar (database versions not stated): gnomAD 0.00013 and 0.00014; 1000 Genomes Project 30x 0.00016; TOPMed 0.00017; 1000 Genomes Project 0.00020; ExAC 0.00023; gnomAD exomes 0.00028.
gnomAD v4.1: 304 of 1,614,082 alleles (0.019%); highest among the groups gnomAD compares: Middle Eastern, 0.15%; 1 homozygote.

Submissions (4):

Labcorp Genetics (formerly Invitae), Labcorp
Classification: Likely benign for Left ventricular noncompaction 8. Last evaluated: 2026-02-02. Review status: criteria provided, single submitter. Criteria: Invitae Variant Classification Sherloc (09022015). Collection method: clinical testing. Allele origin: germline.

Blueprint Genetics
Classification: Likely benign. Last evaluated: 2024-09-11. Review status: criteria provided, single submitter. Criteria: ACMG Guidelines, 2015. Collection method: clinical testing. Allele origin: germline.

Laboratory for Molecular Medicine, Mass General Brigham Personalized Medicine
Classification: Likely benign. Last evaluated: 2015-11-24. Review status: criteria provided, single submitter. Criteria: LMM Criteria. Collection method: clinical testing. Allele origin: germline. Observed: 2 variant alleles.
Comment: p.Gly455Ser in exon 9 of PRDM16: This variant is not expected to have clinical s ignificance due to a lack of conservation across species, including mammals. Of note, 15 mammals have a serine (Ser) at this position despite high nearby amino acid conservation. In addition, computational prediction tools do not suggest a high likelihood of impact to the protein. It has been identified in 12/16502 Sou th Asian chromosomes by the Exome Aggregation Consortium (ExAC; dbSNP rs536908705).

PreventionGenetics, part of Exact Sciences
Classification: Likely benign for PRDM16-related condition. Last evaluated: 2022-03-15. Review status: no assertion criteria provided. Collection method: clinical testing. Allele origin: germline. Not counted in ClinVar's aggregate classification.
Comment: This variant is classified as likely benign based on ACMG/AMP sequence variant interpretation guidelines (Richards et al. 2015 PMID: 25741868, with internal and published modifications).